The following is an entry in ClinVar:

ClinVar aggregate classification (germline): Likely pathogenic (1 of 4 stars; one submission).

Allele frequency attached by ClinVar (database versions not stated): gnomAD exomes below 0.00001.
gnomAD v4.1: 1 of 1,550,394 alleles (0.000064%); highest among the groups gnomAD compares: Non-Finnish European, 0.000088%; no homozygotes.

Submission:

GeneDx
Classification: Likely pathogenic. Last evaluated: 2019-01-15. Review status: criteria provided, single submitter. Criteria: GeneDx Variant Classification (06012015). Collection method: clinical testing. Allele origin: germline. Affected: yes.
Comment: The E3987K likely pathogenic variant in the RYR2 gene has been reported in association with catecholaminergic polymorphic ventricular tachycardia (CPVT) (Avari Silva et al., 2016); however, specific clinical details and segregation information were not provided. The E3987K variant is not observed in large population cohorts (Lek et al., 2016). The E3987K variant is a non-conservative amino acid substitution, which is likely to impact secondary protein structure as these residues differ in polarity, charge, size and/or other properties. In-silico analyses, including protein predictors and evolutionary conservation, support a deleterious effect. Finally, the E3987K variant is located located in one of the three hot-spot regions of the RYR2 gene, where the majority of pathogenic missense variants occur (Medeiros-Domingo et al., 2009). In summary, E3987K in the RYR2 gene is interpreted as a likely pathogenic variant.

NM_001035.3(RYR2):c.11959G>A (p.Glu3987Lys)

Gene: RYR2 (ryanodine receptor 2; plus strand). Cytogenetic location: 1q43.
Variant type: single nucleotide variant.
Coding change: c.11959G>A on transcript NM_001035.3 (MANE Select); coding-DNA position 11959, G replaced by A.
Protein change: p.Glu3987Lys; replaces glutamic acid 3987 with lysine.
Molecular consequence: missense variant.
Genome position (GRCh38, 1-based): chr1:237,781,643, G>A. VCF-style: chr1-237781643-G-A. GRCh37 (hg19) VCF-style: chr1-237944943-G-A.
Other names: p.E3987K:GAA>AAA; c.11959G>A, p.Glu3987Lys (LRG_402t1); short protein forms E3987K.
Identifiers: ClinVar variation 201317 (VCV000201317.2), dbSNP rs794728778, ClinGen allele CA007253.